The following is an entry in ClinVar:

NM_206933.4(USH2A):c.349C>T (p.His117Tyr)

Gene: USH2A (usherin; minus strand). Cytogenetic location: 1q41.
Variant type: single nucleotide variant.
Coding change: c.349C>T on transcript NM_206933.4 (MANE Select); coding-DNA position 349, C replaced by T.
Protein change: p.His117Tyr; replaces histidine 117 with tyrosine.
Molecular consequence: missense variant.
Genome position (GRCh38, 1-based): chr1:216,421,988, G>A on the plus strand (C>T on the coding strand, the complement: USH2A is on the minus strand). VCF-style: chr1-216421988-G-A. GRCh37 (hg19) VCF-style: chr1-216595330-G-A.
Other names: c.349C>T, p.His117Tyr (NM_007123.6); c.349C>T (NM_206933.2); short protein forms H117Y.
Identifiers: ClinVar variation 1904279 (VCV001904279.6), dbSNP rs372053865, ClinGen allele CA37922143.

ClinVar aggregate classification (germline): Uncertain significance. Review status: criteria provided, multiple submitters, no conflicts (2 of 4 stars). 5 submissions from 4 submitters: Uncertain significance (5). Last evaluated 2023-11-04.

Conditions:
Usher syndrome type 2A. Also called: RETINAL DISEASE IN USHER SYNDROME TYPE IIA, MODIFIER OF; USHER SYNDROME, TYPE IIA. Identifiers: Orphanet 231178, Orphanet 886, MedGen C1848634, MONDO:0010169, OMIM 276901.
Retinitis pigmentosa 39 (RP39). Identifiers: Orphanet 791, MedGen C3151138, MONDO:0013436, OMIM 613809.
Inborn genetic diseases. Identifiers: MedGen C0950123, MeSH D030342.

Allele frequency attached by ClinVar (database versions not stated): gnomAD 0.00001; ESP Exome Variant Server 0.00008.
gnomAD v4.1: 4 of 1,613,834 alleles (0.00025%); highest among the groups gnomAD compares: Non-Finnish European, 0.00034%; no homozygotes.

Submissions (5):

Genome-Nilou Lab
Classification: Uncertain significance for Retinitis pigmentosa 39. Last evaluated: 2023-11-04. Review status: criteria provided, single submitter. Criteria: ACMG Guidelines, 2015. Collection method: clinical testing. Allele origin: germline. Affected: no.

Genome-Nilou Lab
Classification: Uncertain significance for Usher syndrome type 2A. Last evaluated: 2023-11-04. Review status: criteria provided, single submitter. Criteria: ACMG Guidelines, 2015. Collection method: clinical testing. Allele origin: germline. Affected: no.

Ambry Genetics
Classification: Uncertain significance for Inborn genetic diseases. Last evaluated: 2023-03-27. Review status: criteria provided, single submitter. Criteria: Ambry Variant Classification Scheme 2023. Collection method: clinical testing. Allele origin: germline.

Labcorp Genetics (formerly Invitae), Labcorp
Classification: Uncertain significance. Last evaluated: 2022-04-26. Review status: criteria provided, single submitter. Criteria: Invitae Variant Classification Sherloc (09022015). Collection method: clinical testing. Allele origin: germline.
Comment: This sequence change replaces histidine, which is basic and polar, with tyrosine, which is neutral and polar, at codon 117 of the USH2A protein (p.His117Tyr). This variant is not present in population databases (gnomAD no frequency). This variant has not been reported in the literature in individuals affected with USH2A-related conditions. Algorithms developed to predict the effect of missense changes on protein structure and function (SIFT, PolyPhen-2, Align-GVGD) all suggest that this variant is likely to be tolerated. In summary, the available evidence is currently insufficient to determine the role of this variant in disease. Therefore, it has been classified as a Variant of Uncertain Significance.

Blueprint Genetics
Classification: Uncertain significance. Last evaluated: 2021-04-05. Review status: criteria provided, single submitter. Criteria: ACMG Guidelines, 2015. Collection method: clinical testing. Allele origin: germline.